The following is an entry in ClinVar:

ClinVar aggregate classification (germline): Pathogenic (1 of 4 stars; one submission).

Conditions:
Polycystic kidney disease, adult type (PKD1). Also called: Polycystic Kidney Disease 1, Autosomal Dominant; Polycystic kidney disease 1; Polycystic kidney disease 1, severe; Polycystic Kidney, Autosomal Dominant; POLYCYSTIC KIDNEY DISEASE 1 WITH OR WITHOUT POLYCYSTIC LIVER DISEASE; POLYCYSTIC KIDNEY DISEASE, ADULT, TYPE I. Identifiers: MedGen C3149841, MONDO:0008263, OMIM 173900.

Submission:

Victorian Clinical Genetics Services, Murdoch Childrens Research Institute
Classification: Pathogenic for Polycystic kidney disease, adult type. Last evaluated: 2025-07-02. Review status: criteria provided, single submitter. Criteria: ACMG Guidelines, 2015. Collection method: clinical testing. Allele origin: germline.
Comment: This variant is classified as Pathogenic. Evidence in support of pathogenic classification: Variant is predicted to cause nonsense-mediated decay (NMD) and loss of protein (premature termination codon is located at least 54 nucleotides upstream of the final exon-exon junction); Variant is absent from gnomAD (v2, v3 and v4); Other NMD-predicted variants comparable to the one identified in this case have very strong previous evidence for pathogenicity (DECIPHER). Additional information: This variant is heterozygous; This gene is associated with autosomal dominant disease. Polycystic kidney disease 1 (MIM#173900) is predominantly caused by monoallelic variants, with rare reports of biallelic variants causing disease (OMIM); Loss of function is a known mechanism of disease in this gene and is associated with polycystic kidney disease 1 (MIM#173900); Inheritance information for this variant is not currently available in this individual.

NM_001009944.3(PKD1):c.7113_7114dup (p.Ser2372fs)

Gene: PKD1 (polycystin 1, transient receptor potential channel interacting; minus strand). Cytogenetic location: 16p13.3.
Variant type: Microsatellite.
Coding change: c.7113_7114dup on transcript NM_001009944.3 (MANE Select); coding-DNA positions 7113 to 7114, 2 bases duplicated (GT; older notation c.7113_7114dupGT).
Protein change: p.Ser2372fs; shifts the reading frame from serine 2372.
Molecular consequence: frameshift variant.
Genome position (GRCh38, 1-based): chr16:2,106,900-2,106,901, AC duplicated on the plus strand (GT on the coding strand, the reverse complement: PKD1 is on the minus strand); duplicating any 2 consecutive bases within chr16:2,106,900-2,106,907 gives the same sequence; the c. name uses the placement nearest the transcript's 3' end. VCF-style (leftmost placement, unchanged base first): chr16-2106899-G-GAC. GRCh37 (hg19) VCF-style: chr16-2156900-G-GAC.
Other names: c.7113_7114dup, p.Ser2372fs (NM_000296.4); c.7107_7108GT[5], p.Ser2372Cysfs (NM_001009944.2); c.7113_7114dupGT (NM_001009944.2); short protein forms S2372fs.
Identifiers: ClinVar variation 1806192 (VCV001806192.3), dbSNP rs1567187389, ClinGen allele CA913185962.